The following is an entry in ClinVar:

NM_005334.3(HCFC1):c.218C>T (p.Ala73Val)

Gene: HCFC1 (host cell factor C1; minus strand). Cytogenetic location: Xq28.
Variant type: single nucleotide variant.
Coding change: c.218C>T on transcript NM_005334.3 (MANE Select); coding-DNA position 218, C replaced by T.
Protein change: p.Ala73Val; replaces alanine 73 with valine.
Molecular consequence: missense variant.
Genome position (GRCh38, 1-based): chrX:153,964,702, G>A on the plus strand (C>T on the coding strand, the complement: HCFC1 is on the minus strand). VCF-style: chrX-153964702-G-A. GRCh37 (hg19) VCF-style: chrX-153230153-G-A.
Other names: short protein forms A73V.
Identifiers: ClinVar variation 66985 (VCV000066985.16), dbSNP rs397515486, ClinGen allele CA144902.
Genomic context (GRCh38, chrX:153,964,702, plus strand): 5'-CGAGTCCCGTCACACACGAAGCCATAGGCTGCACACCCAGGGGGAATGTCCCCCCTCACG[G>A]CTGGGATGAACCACTGGTTGGTTGCTGGGGAACAGAAGGAGGCAGAAGTCAGAACACCCG-3'
Protein context (NP_005325.2, residues 63-83): NTATNQWFIP[Ala73Val]VRGDIPPGCA

ClinVar aggregate classification (germline): Conflicting classifications of pathogenicity. Review status: criteria provided, conflicting classifications (1 of 4 stars). 7 submissions from 7 submitters: Pathogenic (3); Likely pathogenic (1); Uncertain significance (1). 2 of the submissions do not count toward it. Last evaluated 2025-11-11.

Conditions:
Disorders of Intracellular Cobalamin Metabolism. Identifiers: MedGen CN043592.
Methylmalonic acidemia with homocystinuria, type cblX (MAHCX). Also called: INTELLECTUAL DEVELOPMENTAL DISORDER, X-LINKED 3. Identifiers: Orphanet 369962, MedGen C0796208, MONDO:0010657, OMIM 309541.
Intellectual disability. Also called: intellectual disabilities; Intellectual functioning disability; Intellectual developmental disorder. Identifiers: MedGen C3714756, MeSH D008607, MONDO:0001071, HP:0001249.
Cobalamin C disease. Also called: Cobalamin-C methylmalonic acidemia and homocystinuria; Methylmalonic acidemia and homocystinuria cblC type; Methylmalonic aciduria and homocystinuria, Vitamin B12-responsive; Vitamin B12 metabolic defect with combined deficiency of methylmalonyl-CoA mutase and homocysteine:methyltetrahydrofolate methyltransferase; Methylmalonic aciduria with homocystinuria cblC type; methylmalonic aciduria and homocystinuria type cblC. Identifiers: Orphanet 26, Orphanet 79282, MedGen C1848561, MONDO:0010184, OMIM 277400.

Submissions (7):

Labcorp Genetics (formerly Invitae), Labcorp
Classification: Uncertain significance for Methylmalonic acidemia with homocystinuria, type cblX. Last evaluated: 2025-11-11. Review status: criteria provided, single submitter. Criteria: Invitae Variant Classification Sherloc (09022015). Collection method: clinical testing. Allele origin: germline.
Comment: This sequence change replaces alanine, which is neutral and non-polar, with valine, which is neutral and non-polar, at codon 73 of the HCFC1 protein (p.Ala73Val). This variant is not present in population databases (gnomAD no frequency). This missense change has been observed in individual(s) with cobalamin X deficiency (PMID: 24011988, 25167861). ClinVar contains an entry for this variant (Variation ID: 66985). Invitae Evidence Modeling of protein sequence and biophysical properties (such as structural, functional, and spatial information, amino acid conservation, physicochemical variation, residue mobility, and thermodynamic stability) indicates that this missense variant is not expected to disrupt HCFC1 protein function with a negative predictive value of 80%. Experimental studies have shown that this missense change does not substantially affect HCFC1 function (PMID: 25281006). In summary, the available evidence is currently insufficient to determine the role of this variant in disease. Therefore, it has been classified as a Variant of Uncertain Significance.

Service de Génétique Médicale, Centre Hospitalier Universitaire de Nice-Université Côte d'Azur
Classification: Likely pathogenic for Methylmalonic acidemia with homocystinuria, type cblX. Last evaluated: 2024-02-27. Review status: criteria provided, single submitter. Criteria: ACMG Guidelines, 2015. Collection method: clinical testing. Allele origin: germline. Affected: yes.

Women's Health and Genetics/Laboratory Corporation of America, LabCorp
Classification: Pathogenic for Methylmalonic acidemia with homocystinuria. Last evaluated: 2020-05-12. Review status: criteria provided, single submitter. Criteria: LabCorp Variant Classification Summary - May 2015. Collection method: clinical testing. Allele origin: germline.
Comment: Variant summary: HCFC1 c.218C>T (p.Ala73Val) results in a non-conservative amino acid change located in the the first kelch domain (Yu_2013) of the encoded protein sequence. Three of five in-silico tools predict a damaging effect of the variant on protein function. The variant was absent in 161726 control chromosomes (gnomAD). c.218C>T has been reported in the literature in individuals affected with Methylmalonic Acidemia With Homocystinuria as well as one individual whose parents were negative for the mutation, suggesting that it arose de novo (Yu_2013, Redin_2014). Functional studies report this variant results in reducing the level of MMACHC expression and in biochemical abnormalities (Yu_2013, Quintana_2014). One ClinVar submitter (evaluation after 2014) cites the variant as pathogenic. Based on the evidence outlined above, the variant was classified as pathogenic.

Center for Pediatric Genomic Medicine, Children's Mercy Hospital and Clinics
Classification: Pathogenic. Last evaluated: 2015-12-23. Review status: criteria provided, single submitter. Criteria: ACMG Guidelines, 2015. Collection method: clinical testing. Allele origin: germline.

Diagnostic Laboratory, Strasbourg University Hospital
Classification: Pathogenic for Intellectual disability. Last evaluated: 2014-07-25. Review status: criteria provided, single submitter. Criteria: submitter's publication. Collection method: clinical testing. Allele origin: maternal. Affected: yes. Observed: 1 variant allele, 1 hemizygote.

OMIM
Classification: Pathogenic for METHYLMALONIC ACIDURIA AND HOMOCYSTINURIA, cblX TYPE. Last evaluated: 2013-09-05. Review status: no assertion criteria provided. Collection method: literature only. Allele origin: germline. Not counted in ClinVar's aggregate classification.

GeneReviews
No classification provided. Condition: Disorders of Intracellular Cobalamin Metabolism. Review status: no classification provided. Collection method: literature only. Allele origin: germline. Not counted in ClinVar's aggregate classification.

Literature cited by the submitters: PubMed 24011988 (cited by 4 submitters); PubMed 25167861 (cited by Labcorp Genetics (formerly Invitae), Labcorp and Women's Health and Genetics/Laboratory Corporation of America, LabCorp); PubMed 25281006 (cited by Labcorp Genetics (formerly Invitae), Labcorp and Women's Health and Genetics/Laboratory Corporation of America, LabCorp); PubMed 38703036 (cited by Service de Génétique Médicale, Centre Hospitalier Universitaire de Nice-Université Côte d'Azur); PubMed 27403441 (cited by Women's Health and Genetics/Laboratory Corporation of America, LabCorp); PubMed 26893841 (cited by Women's Health and Genetics/Laboratory Corporation of America, LabCorp).